The following is an entry in ClinVar:

ClinVar aggregate classification (germline): Uncertain significance (1 of 4 stars; one submission).

Conditions:
Kufor-Rakeb syndrome (KRS). Also called: PARKINSON DISEASE 9, AUTOSOMAL RECESSIVE, JUVENILE-ONSET. Identifiers: Orphanet 306674, Orphanet 314632, MedGen C1847640, MONDO:0011706, OMIM 606693.
Autosomal recessive spastic paraplegia type 78. Identifiers: Orphanet 513436, MedGen C5567893, MONDO:0014975, OMIM 617225.

Submission:

Labcorp Genetics (formerly Invitae), Labcorp
Classification: Uncertain significance for Kufor-Rakeb syndrome; Autosomal recessive spastic paraplegia type 78. Last evaluated: 2022-07-30. Review status: criteria provided, single submitter. Criteria: Invitae Variant Classification Sherloc (09022015). Collection method: clinical testing. Allele origin: germline.
Comment: A copy number gain of the genomic region encompassing the full coding sequence of the ATP13A2 gene has been identified. The boundaries of this event are unknown as they extend beyond the assayed region for this gene and therefore may encompass additional genes. As the precise location of this event is unknown, it may be in tandem or it may be located elsewhere in the genome. This variant has not been reported in the literature in individuals affected with ATP13A2-related conditions. In summary, the available evidence is currently insufficient to determine the role of this variant in disease. Therefore, it has been classified as a Variant of Uncertain Significance.

NC_000001.10:g.(?_17312716)_(17338233_?)dup

Gene: ATP13A2 (ATPase cation transporting 13A2; minus strand). Cytogenetic location: 1p36.13.
Variant type: Duplication.
Identifiers: ClinVar variation 2426713 (VCV002426713.4).